The following is an entry in ClinVar:

NM_025207.5(FLAD1):c.278G>A (p.Arg93Lys)

Gene: FLAD1 (flavin adenine dinucleotide synthetase 1; plus strand). Cytogenetic location: 1q21.3.
Variant type: single nucleotide variant.
Coding change: c.278G>A on transcript NM_025207.5 (MANE Select); coding-DNA position 278, G replaced by A.
Protein change: p.Arg93Lys; replaces arginine 93 with lysine.
Molecular consequence: missense variant. On other transcripts: 5 prime UTR variant (3).
Genome position (GRCh38, 1-based): chr1:154,983,972, G>A. VCF-style: chr1-154983972-G-A. GRCh37 (hg19) VCF-style: chr1-154956448-G-A.
Other names: c.-14G>A (NM_001184891.2, NM_201398.3); c.-659G>A (NM_001184892.2); short protein forms R93K.
Identifiers: ClinVar variation 1999558 (VCV001999558.4), dbSNP rs1394328820, ClinGen allele CA342736632.

ClinVar aggregate classification (germline): Uncertain significance (1 of 4 stars; one submission).

Allele frequency attached by ClinVar (database versions not stated): gnomAD exomes below 0.00001.
gnomAD v4.1: 1 of 1,564,002 alleles (0.000064%); highest among the groups gnomAD compares: South Asian, 0.0012%; no homozygotes.

Submission:

Labcorp Genetics (formerly Invitae), Labcorp
Classification: Uncertain significance. Last evaluated: 2022-05-27. Review status: criteria provided, single submitter. Criteria: Invitae Variant Classification Sherloc (09022015). Collection method: clinical testing. Allele origin: germline.
Comment: This sequence change replaces arginine, which is basic and polar, with lysine, which is basic and polar, at codon 93 of the FLAD1 protein (p.Arg93Lys). This variant is present in population databases (no rsID available, gnomAD 0.004%). This variant has not been reported in the literature in individuals affected with FLAD1-related conditions. Algorithms developed to predict the effect of missense changes on protein structure and function (SIFT, PolyPhen-2, Align-GVGD) all suggest that this variant is likely to be tolerated. In summary, the available evidence is currently insufficient to determine the role of this variant in disease. Therefore, it has been classified as a Variant of Uncertain Significance.